The following is an entry in ClinVar:

NM_000170.3(GLDC):c.2281G>C (p.Gly761Arg)

Gene: GLDC (glycine decarboxylase; minus strand). Cytogenetic location: 9p24.1.
Variant type: single nucleotide variant.
Coding change: c.2281G>C on transcript NM_000170.3 (MANE Select); coding-DNA position 2281, G replaced by C.
Protein change: p.Gly761Arg; replaces glycine 761 with arginine.
Molecular consequence: missense variant.
Genome position (GRCh38, 1-based): chr9:6,554,703, C>G on the plus strand (G>C on the coding strand, the complement: GLDC is on the minus strand). VCF-style: chr9-6554703-C-G. GRCh37 (hg19) VCF-style: chr9-6554703-C-G.
Other names: short protein forms G761R.
Identifiers: ClinVar variation 11986 (VCV000011986.3), dbSNP rs386833549, ClinGen allele CA256161.
Genomic context (GRCh38, chr9:6,554,703, plus strand): 5'-CCTGAAACCAGCAGCCCAGAACTTACACTCCGATGGGCCCCATGCCAGGACCACCTCCTC[C>G]GTGGGGAATGCAGAAGGTCTTGTGAAGATTTAGGTGCGAGACATCAGACCCGAAGTCTCC-3'
Protein context (NP_000161.2, residues 751-771): NLHKTFCIPH[Gly761Arg]GGGPGMGPIG

ClinVar aggregate classification (germline): Pathogenic. Review status: no assertion criteria provided (0 of 4 stars). 2 submissions from 2 submitters: Pathogenic (2). Last evaluated 2001-09-01.

Conditions:
Glycine encephalopathy 1 (GCE1). Identifiers: MedGen CN376801, MONDO:0958179, OMIM 605899.
Glycine encephalopathy. Also called: Nonketotic hyperglycinemia; Non-ketotic hyperglycinemia. Identifiers: Orphanet 407, MedGen C0751748, MONDO:0011612, HP:0008288.

Submissions (2):

OMIM
Classification: Pathogenic for GLYCINE ENCEPHALOPATHY 1. Last evaluated: 2001-09-01. Review status: no assertion criteria provided. Collection method: literature only. Allele origin: germline.

Juha Muilu Group; Institute for Molecular Medicine Finland (FIMM)
Classification: Pathogenic for Non-ketotic hyperglycinemia. Review status: no assertion criteria provided. Collection method: not provided. Allele origin: unknown.
Comment: This variant was not found or characterized by our laboratory, variant was reported in an abstract: Kure et al. 1999: Am. J. Hum. Genet. 65: 2406: Program Nr: 2406 ASHG Annual Meeting
ClinVar note: Converted during submission from pathogenic to Pathogenic.

Literature cited by the submitters: PubMed 11592811 (cited by OMIM); Kure, S., Takayanagi, M., Kurihara, Y., Leisti, J., Zalai, D., Chuck, G., Tada, K., Matsubara, Y., Narisawa, K. Nonketotic hyperglycinemia: mutation spectra of the GLDC and AMT genes in Finnish and non-Finnish populations. (Abstract) Am. J. Hum. Genet. 65: 2406-only, 1999. (cited by OMIM).